The following is an entry in ClinVar:

ClinVar aggregate classification (germline): Pathogenic (1 of 4 stars; one submission).

Conditions:
Bardet-Biedl syndrome (BBS). Identifiers: Orphanet 110, MedGen C0752166, MONDO:0015229.

Submission:

Labcorp Genetics (formerly Invitae), Labcorp
Classification: Pathogenic for Bardet-Biedl syndrome. Last evaluated: 2021-11-22. Review status: criteria provided, single submitter. Criteria: Invitae Variant Classification Sherloc (09022015). Collection method: clinical testing. Allele origin: germline.
Comment: This variant is a gross deletion of the genomic region encompassing exon(s) 8-9 of the BBS1 gene. This deletion is out-of-frame, and is expected to create a premature termination codon and result in an absent or disrupted protein product. Loss-of-function variants in BBS1 are known to be pathogenic (PMID: 12118255). This variant has not been reported in the literature in individuals affected with BBS1-related conditions. For these reasons, this variant has been classified as Pathogenic.

Literature cited by the submitters: PubMed 12118255.

NC_000011.10:g.(?_66519607)_(66521386_?)del

Gene: BBS1 (Bardet-Biedl syndrome 1; plus strand). Cytogenetic location: 11q13.2.
Variant type: Deletion.
Identifiers: ClinVar variation 833355 (VCV000833355.4).